The following is an entry in ClinVar:

ClinVar aggregate classification (germline): Uncertain significance (1 of 4 stars; one submission).

Conditions:
Hawkinsinuria. Identifiers: Orphanet 2118, MedGen C2931042, MONDO:0007700, OMIM 140350, HP:0034457.
Tyrosinemia type III. Also called: Tyrosinemia type 3; 4-alpha hydroxyphenylpyruvic acid oxidase deficiency; 4-alpha hydroxyphenylpyruvate dioxygenase deficiency; 4-Hydroxyphenylpyruvate dioxygenase deficiency; 4-HYDROXYPHENYLPYRUVIC ACID OXIDASE DEFICIENCY. Identifiers: Orphanet 69723, MedGen C0268623, MONDO:0010162, OMIM 276710.

Submission:

Labcorp Genetics (formerly Invitae), Labcorp
Classification: Uncertain significance for Tyrosinemia type III; Hawkinsinuria. Last evaluated: 2023-12-28. Review status: criteria provided, single submitter. Criteria: Invitae Variant Classification Sherloc (09022015). Collection method: clinical testing. Allele origin: germline.
Comment: This sequence change replaces glycine, which is neutral and non-polar, with arginine, which is basic and polar, at codon 154 of the HPD protein (p.Gly154Arg). This variant is not present in population databases (gnomAD no frequency). This variant has not been reported in the literature in individuals affected with HPD-related conditions. Advanced modeling of protein sequence and biophysical properties (such as structural, functional, and spatial information, amino acid conservation, physicochemical variation, residue mobility, and thermodynamic stability) performed at Invitae indicates that this missense variant is expected to disrupt HPD protein function with a positive predictive value of 80%. In summary, the available evidence is currently insufficient to determine the role of this variant in disease. Therefore, it has been classified as a Variant of Uncertain Significance.

NM_002150.3(HPD):c.460G>C (p.Gly154Arg)

Genes: HPD (4-hydroxyphenylpyruvate dioxygenase; minus strand), TIALD (transcript inducer of AURKA lysosomal degradation; plus strand). Cytogenetic location: 12q24.31.
Variant type: single nucleotide variant.
Coding change: c.460G>C on transcript NM_002150.3 (MANE Select); coding-DNA position 460, G replaced by C.
Protein change: p.Gly154Arg; replaces glycine 154 with arginine.
Molecular consequence: missense variant.
Genome position (GRCh38, 1-based): chr12:121,849,745, C>G on the plus strand (G>C on the coding strand, the complement: HPD is on the minus strand). VCF-style: chr12-121849745-C-G. GRCh37 (hg19) VCF-style: chr12-122287651-C-G.
Other names: c.343G>C, p.Gly115Arg (NM_001171993.2); short protein forms G154R, G115R.
Identifiers: ClinVar variation 2933420 (VCV002933420.3), dbSNP rs1450141568, ClinGen allele CA387017716.